The following is an entry in ClinVar:

NC_000014.8:g.(?_75500102)_(75500213_?)del

Gene: MLH3 (mutL homolog 3; minus strand). Cytogenetic location: 14q24.3.
Variant type: Deletion.
Identifiers: ClinVar variation 3244052 (VCV003244052.1).

ClinVar aggregate classification (germline): Uncertain significance (1 of 4 stars; one submission).

Conditions:
Colorectal cancer, hereditary nonpolyposis, type 7. Identifiers: Orphanet 144, MedGen C1858380, MONDO:0013725, OMIM 614385.

Submission:

Labcorp Genetics (formerly Invitae), Labcorp
Classification: Uncertain significance for Colorectal cancer, hereditary nonpolyposis, type 7. Last evaluated: 2023-02-26. Review status: criteria provided, single submitter. Criteria: Invitae Variant Classification Sherloc (09022015). Collection method: clinical testing. Allele origin: unknown.
Comment: This variant is a gross deletion of the genomic region encompassing exon(s) 7 of the MLH3 gene. This variant would be expected to be in-frame, preserving the integrity of the reading frame. This variant has not been reported in the literature in individuals affected with MLH3-related conditions. In summary, the available evidence is currently insufficient to determine the role of this variant in disease. Therefore, it has been classified as a Variant of Uncertain Significance.